The following is an entry in ClinVar:

ClinVar aggregate classification (germline): Pathogenic/Likely pathogenic. Review status: criteria provided, multiple submitters, no conflicts (2 of 4 stars). 5 submissions from 5 submitters: Pathogenic (4); Likely pathogenic (1). Last evaluated 2025-09-14.

Conditions:
Hereditary cancer-predisposing syndrome. Also called: Hereditary neoplastic syndrome; Hereditary Cancer Syndrome; Neoplastic Syndromes, Hereditary; Tumor predisposition. Identifiers: Orphanet 140162, MedGen C0027672, MeSH D009386, MONDO:0015356.
Familial adenomatous polyposis 1 (FAP1). Also called: FAMILIAL ADENOMATOUS POLYPOSIS 1, ATTENUATED; POLYPOSIS, ADENOMATOUS INTESTINAL. Identifiers: MedGen C2713442, MONDO:0021056, OMIM 175100. Disease mechanism: loss of function.

Submissions (5):

Labcorp Genetics (formerly Invitae), Labcorp
Classification: Pathogenic for Familial adenomatous polyposis 1. Last evaluated: 2025-09-14. Review status: criteria provided, single submitter. Criteria: Invitae Variant Classification Sherloc (09022015). Collection method: clinical testing. Allele origin: germline.
Comment: This sequence change creates a premature translational stop signal (p.Arg1066Aspfs*60) in the APC gene. While this is not anticipated to result in nonsense mediated decay, it is expected to disrupt the last 1778 amino acid(s) of the APC protein. This variant is not present in population databases (gnomAD no frequency). This premature translational stop signal has been observed in individual(s) with familial adenomatous polyposis (PMID: 20685668). ClinVar contains an entry for this variant (Variation ID: 236586). This variant is expected to disrupt the EB1 and HDLG binding sites, which mediate interactions with the cytoskeleton (PMID: 15311282, 17293347). While functional studies have not been performed to directly test the effect on APC protein function, this suggests that disruption of the C-terminal portion of the protein is functionally important. A different truncation (p.Tyr2645Lysfs*14) that lies downstream of this variant has been determined to be pathogenic (PMID: 9824584, 1316610, 27081525, 8381579, 22135120, internal data). This suggests that deletion of this region of the APC protein is causative of disease. For these reasons, this variant has been classified as Pathogenic.

Ambry Genetics
Classification: Likely pathogenic for Hereditary cancer-predisposing syndrome. Last evaluated: 2025-06-25. Review status: criteria provided, single submitter. Criteria: Ambry Variant Classification Scheme 2023. Collection method: clinical testing. Allele origin: germline.
Comment: The c.3196delA variant, located in coding exon 15 of the APC gene, results from a deletion of one nucleotide at nucleotide position 3196, causing a translational frameshift with a predicted alternate stop codon (p.R1066Dfs*60). This alteration occurs at the 3' terminus of theAPC gene, is not expected to trigger nonsense-mediated mRNA decay, and impacts the last 62.5% of the protein. However, premature stop codons are typically deleterious in nature, the impacted region is critical for protein function, and a significant portion of the protein is affected (Ambry internal data).This variant was identified in 2 of 863 colonic polyposis patients from a French cohort (Lagarde A et al. J Med Genet, 2010 Oct;47:721-2). This variant was identified amongst a cohort of 385 individuals with early-onset colorectal cancer (Dharwadkar P et al. Clin Gastroenterol Hepatol, 2022 Feb;20:353-361.e3). This variant is considered to be rare based on population cohorts in the Genome Aggregation Database (gnomAD). Based on the supporting evidence, this variant is interpreted as a disease-causing mutation.

Quest Diagnostics Nichols Institute San Juan Capistrano
Classification: Pathogenic. Last evaluated: 2025-03-17. Review status: criteria provided, single submitter. Criteria: Quest Diagnostics criteria. Collection method: clinical testing. Allele origin: unknown.
Comment: The APC c.3196del (p.Arg1066Aspfs*60) variant alters the translational reading frame of the APC mRNA and causes the premature termination of APC protein synthesis. This variant has been reported in the published literature in individuals with familial adenomatous polyposis (PMID: 20685668 (2010)). This variant has not been reported in large, multi-ethnic general populations (Genome Aggregation Database). Based on the available information, this variant is classified as pathogenic.

ARUP Laboratories, Molecular Genetics and Genomics, ARUP Laboratories
Classification: Pathogenic. Last evaluated: 2025-02-18. Review status: criteria provided, single submitter. Criteria: ARUP Molecular Germline Variant Investigation Process 2024. Collection method: clinical testing. Allele origin: germline.
Comment: The APC c.3196del; p.Arg1066AspfsTer60 variant (rs878853436) is reported in the literature in at least one individual affected with familial adenomatous polyposis (FAP; Lagarde 2010). This variant is also reported in ClinVar (Variation ID: 236586), but is absent from the Genome Aggregation Database, indicating it is not a common polymorphism. This variant causes a frameshift by deleting a single nucleotide, so it is predicted to result in a truncated protein or mRNA subject to nonsense-mediated decay. Additionally, several downstream truncating variants have been described in individuals with FAP and are considered pathogenic (Lagarde 2010). Based on available information, this variant is considered to be pathogenic. References: Lagarde A et al. Germline APC mutation spectrum derived from 863 genomic variations identified through a 15-year medical genetics service to French patients with FAP. J Med Genet. 2010 Oct;47(10):721-2. PMID: 20685668.

Myriad Genetics, Inc.
Classification: Pathogenic for Familial adenomatous polyposis 1. Last evaluated: 2023-05-08. Review status: criteria provided, single submitter. Criteria: Myriad Autosomal Dominant, Autosomal Recessive and X-Linked Classification Criteria (2023). Collection method: clinical testing. Allele origin: unknown.
Comment: This variant is considered pathogenic. This variant creates a frameshift predicted to result in premature protein truncation.

Literature cited by the submitters: PubMed 20685668 (cited by 3 submitters); PubMed 15311282 (cited by Labcorp Genetics (formerly Invitae), Labcorp); PubMed 17293347 (cited by Labcorp Genetics (formerly Invitae), Labcorp); PubMed 9824584 (cited by Labcorp Genetics (formerly Invitae), Labcorp); PubMed 1316610 (cited by Labcorp Genetics (formerly Invitae), Labcorp); PubMed 27081525 (cited by Labcorp Genetics (formerly Invitae), Labcorp); PubMed 8381579 (cited by Labcorp Genetics (formerly Invitae), Labcorp); PubMed 22135120 (cited by Labcorp Genetics (formerly Invitae), Labcorp); PubMed 33359728 (cited by Ambry Genetics).

NM_000038.6(APC):c.3196del (p.Arg1066fs)

Gene: APC (APC regulator of Wnt signaling pathway; plus strand). Cytogenetic location: 5q22.2.
Variant type: Deletion.
Coding change: c.3196del on transcript NM_000038.6 (MANE Select); coding-DNA position 3196, one base deleted (A; older notation c.3196delA).
Protein change: p.Arg1066fs; shifts the reading frame from arginine 1066.
Molecular consequence: frameshift variant.
Genome position (GRCh38, 1-based): chr5:112,838,790, A deleted; the last of 3 consecutive A bases (chr5:112,838,788-112,838,790); deleting any one gives the same sequence. VCF-style (leftmost placement, unchanged base first): chr5-112838787-CA-C. GRCh37 (hg19) VCF-style: chr5-112174484-CA-C.
Other names: c.3196del (NM_000038.5); c.3196del, p.Arg1066fs (NM_001127510.3, NM_001354895.2); c.3142del, p.Arg1048fs (NM_001127511.3); c.3250del, p.Arg1084fs (NM_001354896.2); c.3226del, p.Arg1076fs (NM_001354897.2); c.3121del, p.Arg1041fs (NM_001354898.2); c.3112del, p.Arg1038fs (NM_001354899.2); c.3073del, p.Arg1025fs (NM_001354900.2); and 6 more; short protein forms R1048fs, R1041fs, R1084fs, R906fs, R1007fs, R1038fs, R783fs, R940fs.
Identifiers: ClinVar variation 236586 (VCV000236586.16), dbSNP rs878853436, ClinGen allele CA10582305.